The following is an entry in ClinVar:

ClinVar aggregate classification (germline): not provided (0 of 4 stars; one submission).

Conditions:
Blau syndrome (BLAUS). Also called: ARTHROCUTANEOUVEAL GRANULOMATOSIS; GRANULOMATOSIS, FAMILIAL JUVENILE SYSTEMIC; GRANULOMATOSIS, FAMILIAL, BLAU TYPE; GRANULOMATOUS INFLAMMATORY ARTHRITIS, DERMATITIS, AND UVEITIS, FAMILIAL; JABS SYNDROME. Identifiers: Orphanet 90340, MedGen C5201146, MONDO:0008523, OMIM 186580.

gnomAD v4.1: 3 of 1,614,242 alleles (0.00019%); highest among the groups gnomAD compares: East Asian, 0.0022%; no homozygotes.

Submission:

Unité médicale des maladies autoinflammatoires, CHRU Montpellier
No classification provided. Condition: Sarcoidosis, early-onset. Review status: no classification provided. Collection method: not provided. Allele origin: unknown.
Comment: also involved in OMIM 186580 and 266600

NM_001370466.1(NOD2):c.961C>G (p.Leu321Val)

Gene: NOD2 (nucleotide binding oligomerization domain containing 2; plus strand). Cytogenetic location: 16q12.1.
Variant type: single nucleotide variant.
Coding change: c.961C>G on transcript NM_001370466.1 (MANE Select); coding-DNA position 961, C replaced by G.
Protein change: p.Leu321Val; replaces leucine 321 with valine.
Molecular consequence: missense variant. On other transcripts: non-coding transcript variant (1).
Genome position (GRCh38, 1-based): chr16:50,710,953, C>G. VCF-style: chr16-50710953-C-G. GRCh37 (hg19) VCF-style: chr16-50744864-C-G.
Other names: c.1042C>G (LRG_177t1); c.961C>G, p.Leu321Val (NM_001293557.2); c.1042C>G, p.Leu348Val (NM_022162.3); short protein forms L348V, L321V.
Identifiers: ClinVar variation 97817 (VCV000097817.1), dbSNP rs104895428, ClinGen allele CA150163.